The following is an entry in ClinVar:

NM_001039591.3(USP9X):c.2969A>G (p.His990Arg)

Gene: USP9X (ubiquitin specific peptidase 9 X-linked; plus strand). Cytogenetic location: Xp11.4.
Variant type: single nucleotide variant.
Coding change: c.2969A>G on transcript NM_001039591.3 (MANE Select); coding-DNA position 2969, A replaced by G.
Protein change: p.His990Arg; replaces histidine 990 with arginine.
Molecular consequence: missense variant.
Genome position (GRCh38, 1-based): chrX:41,170,561, A>G. VCF-style: chrX-41170561-A-G. GRCh37 (hg19) VCF-style: chrX-41029814-A-G.
Other names: c.2969A>G (NM_001039590.2); c.2969A>G, p.His990Arg (NM_001039590.3); c.2984A>G, p.His995Arg (NM_001410748.1, NM_001410749.1); short protein forms H990R, H995R.
Identifiers: ClinVar variation 1708082 (VCV001708082.2), dbSNP rs1303152856, ClinGen allele CA412759618.

ClinVar aggregate classification (germline): Uncertain significance. Review status: criteria provided, multiple submitters, no conflicts (2 of 4 stars). 3 submissions from 3 submitters: Uncertain significance (3). Last evaluated 2024-12-10.

Conditions:
Intellectual developmental disorder, X-linked 99, syndromic, female-restricted. Also called: Intellectual disability, X-linked 99, syndromic, female-restricted. Identifiers: MedGen C4225416, MONDO:0010502, OMIM 300968.
Intellectual developmental disorder, X-linked 99. Also called: Intellectual disability, X-linked 99. Identifiers: Orphanet 777, MedGen C3806746, MONDO:0010487, OMIM 300919.

Allele frequency attached by ClinVar (database versions not stated): gnomAD exomes below 0.00001.
gnomAD v4.1: 3 of 1,211,614 alleles (0.00025%); highest among the groups gnomAD compares: South Asian, 0.0035%; no homozygotes.

Submissions (3):

GeneDx
Classification: Uncertain significance. Last evaluated: 2024-12-10. Review status: criteria provided, single submitter. Criteria: GeneDx Variant Classification Process June 2021. Collection method: clinical testing. Allele origin: germline. Affected: yes.
Comment: In silico analysis indicates that this missense variant does not alter protein structure/function; Has not been previously published as pathogenic or benign to our knowledge

Laboratory of Medical Genetics, National & Kapodistrian University of Athens
Classification: Uncertain significance for Intellectual developmental disorder, X-linked 99. Last evaluated: 2021-12-21. Review status: criteria provided, single submitter. Criteria: ACMG Guidelines, 2015. Collection method: clinical testing. Allele origin: maternal. Affected: yes.
Comment: PM2, PP2

Neuberg Centre For Genomic Medicine, NCGM
Classification: Uncertain significance for Intellectual developmental disorder, X-linked 99, syndromic, female-restricted. Review status: criteria provided, single submitter. Criteria: ACMG Guidelines, 2015. Collection method: clinical testing. Allele origin: germline. Inheritance: Autosomal recessive inheritance. Affected: yes.
Comment: The missense variant p.H990R in USP9X (NM_001039591.3) has not been reported previously as a pathogenic variant nor as a benign variant, to our knowledge. The p.H990R variant is observed in 1/19,021 (0.0053%) alleles from individuals of South Asian background in gnomAD Exomes and is novel (not in any individuals) in 1000 Genomes. The p.H990R missense variant is predicted to be damaging by both SIFT and PolyPhen2. The histidine residue at codon 990 of USP9X is conserved in all mammalian species. The nucleotide c.2969 in USP9X is predicted conserved by GERP++ and PhyloP across 100 vertebrates. For these reasons, this variant has been classified as Uncertain Significance.